The following is an entry in ClinVar:

NM_000186.4(CFH):c.740del (p.Gly247fs)

Gene: CFH (complement factor H; plus strand). Cytogenetic location: 1q31.3.
Variant type: Deletion.
Coding change: c.740del on transcript NM_000186.4 (MANE Select); coding-DNA position 740, one base deleted (G; older notation c.740delG).
Protein change: p.Gly247fs; shifts the reading frame from glycine 247.
Molecular consequence: frameshift variant.
Genome position (GRCh38, 1-based): chr1:196,679,743, G deleted; the last of 2 consecutive G bases (chr1:196,679,742-196,679,743); deleting either gives the same sequence. VCF-style (leftmost placement, unchanged base first): chr1-196679741-AG-A. GRCh37 (hg19) VCF-style: chr1-196648871-AG-A.
Other names: p.Gly247Glufs*34; c.740del, p.Gly247fs (NM_001014975.3); short protein forms G247fs.
Identifiers: ClinVar variation 1343348 (VCV001343348.7), dbSNP rs2149082076, ClinGen allele CA2573051446.

ClinVar aggregate classification (germline): Pathogenic/Likely pathogenic. Review status: criteria provided, multiple submitters, no conflicts (2 of 4 stars). 3 submissions from 3 submitters: Pathogenic (1); Likely pathogenic (2). Last evaluated 2026-09-17.

Conditions:
CFH-related disorder. Also called: CFH-related condition; CFH-related disorders.
Factor H deficiency (CFHD). Also called: COMPLEMENT FACTOR H DEFICIENCY; CFH DEFICIENCY. Identifiers: Orphanet 200421, MedGen C0398777, MONDO:0012350, OMIM 609814.

Submissions (3):

Genomenon, Inc
Classification: Pathogenic for Factor H deficiency. Last evaluated: 2026-09-17. Review status: criteria provided, single submitter. Criteria: Genomenon Sequence Variant Interpretation Standards - Updated. Collection method: curation. Allele origin: germline. Affected: yes.
Comment: CFH p.Gly247GlufsTer34 (c.740del) is a frameshift variant that is predicted to introduce a premature termination codon and result in a truncated or absent protein product. This variant has been observed in at least one proband affected with complement factor H deficiency (PMID: 30077216). It is absent or not present at a significant frequency in gnomAD. In conclusion, we classify CFH p.Gly247GlufsTer34 (c.740del) as a pathogenic variant.

Mayo Clinic Laboratories, Mayo Clinic
Classification: Likely pathogenic. Last evaluated: 2021-08-04. Review status: criteria provided, single submitter. Criteria: ACMG Guidelines, 2015. Collection method: clinical testing. Allele origin: germline.
Comment: PM2, PVS1

Blueprint Genetics
Classification: Likely pathogenic for CFH-related disorders. Last evaluated: 2019-12-19. Review status: criteria provided, single submitter. Criteria: ACMG Guidelines, 2015. Collection method: clinical testing. Allele origin: germline. Affected: yes. Observed: 2 variant alleles.

Literature cited by the submitters: PubMed 30077216 (cited by Genomenon, Inc).